The following is an entry in ClinVar:

NM_006231.4(POLE):c.801+2T>C

Gene: POLE (DNA polymerase epsilon, catalytic subunit; minus strand). Cytogenetic location: 12q24.33.
Variant type: single nucleotide variant.
Coding change: c.801+2T>C on transcript NM_006231.4 (MANE Select); the canonical splice donor site of the intron after coding-DNA position 801, T replaced by C.
Molecular consequence: splice donor variant.
Genome position (GRCh38, 1-based): chr12:132,677,361, A>G on the plus strand (T>C on the coding strand, the complement: POLE is on the minus strand). VCF-style: chr12-132677361-A-G. GRCh37 (hg19) VCF-style: chr12-133253947-A-G.
Identifiers: ClinVar variation 827394 (VCV000827394.9), dbSNP rs1593080925, ClinGen allele CA387364396.

ClinVar aggregate classification (germline): Conflicting classifications of pathogenicity. Review status: criteria provided, conflicting classifications (1 of 4 stars). 2 submissions from 2 submitters: Pathogenic (1); Uncertain significance (1). Last evaluated 2026-01-07.

Conditions:
Hereditary cancer-predisposing syndrome. Also called: Hereditary Cancer Syndrome; Tumor predisposition; Neoplastic Syndromes, Hereditary; Hereditary neoplastic syndrome. Identifiers: Orphanet 140162, MedGen C0027672, MeSH D009386, MONDO:0015356.

Allele frequency attached by ClinVar (database versions not stated): gnomAD exomes 0.00001.
gnomAD v4.1: 5 of 1,612,318 alleles (0.00031%); highest among the groups gnomAD compares: Non-Finnish European, 0.00042%; no homozygotes.

Submissions (2):

Ambry Genetics
Classification: Uncertain significance for Hereditary cancer-predisposing syndrome. Last evaluated: 2026-01-07. Review status: criteria provided, single submitter. Criteria: Ambry Variant Classification Scheme 2023. Collection method: clinical testing. Allele origin: germline.
Comment: The c.801+2T>C intronic variant results from a T to C substitution two nucleotides after coding exon 8 in the POLE gene. This variant has been identified in trans with another POLE variant in an individual with features consistent with POLE deficiency (Logan CV et al. Am J Hum Genet, 2018 Dec;103:1038-1044). This nucleotide position is highly conserved in available vertebrate species. In silico splice site analysis predicts that this alteration will weaken the native splice donor site; however, direct evidence is insufficient at this time (Ambry internal data). Based on the available evidence, the clinical significance of this variant remains unclear.

Labcorp Genetics (formerly Invitae), Labcorp
Classification: Pathogenic. Last evaluated: 2024-08-10. Review status: criteria provided, single submitter. Criteria: Invitae Variant Classification Sherloc (09022015). Collection method: clinical testing. Allele origin: germline.
Comment: This sequence change affects a donor splice site in intron 8 of the POLE gene. It is expected to disrupt RNA splicing. Variants that disrupt the donor or acceptor splice site typically lead to a loss of protein function (PMID: 16199547), and loss-of-function variants in POLE are known to be pathogenic (PMID: 23230001, 25948378, 30503519). This variant is not present in population databases (gnomAD no frequency). Disruption of this splice site has been observed in individual(s) with autosomal recessive FILS syndrome (PMID: 30503519). In at least one individual the data is consistent with being in trans (on the opposite chromosome) from a pathogenic variant. ClinVar contains an entry for this variant (Variation ID: 827394). Algorithms developed to predict the effect of sequence changes on RNA splicing suggest that this variant may disrupt the consensus splice site. For these reasons, this variant has been classified as Pathogenic.

Literature cited by the submitters: PubMed 30503519 (cited by Ambry Genetics and Labcorp Genetics (formerly Invitae), Labcorp); PubMed 16199547 (cited by Labcorp Genetics (formerly Invitae), Labcorp); PubMed 23230001 (cited by Labcorp Genetics (formerly Invitae), Labcorp); PubMed 25948378 (cited by Labcorp Genetics (formerly Invitae), Labcorp).